The following is an entry in ClinVar:

ClinVar aggregate classification (germline): Uncertain significance. Review status: criteria provided, multiple submitters, no conflicts (2 of 4 stars). 2 submissions from 2 submitters: Uncertain significance (2). Last evaluated 2025-04-28.

Conditions:
Inborn genetic diseases. Identifiers: MedGen C0950123, MeSH D030342.

Allele frequency attached by ClinVar (database versions not stated): ExAC 0.00008; gnomAD 0.00001; TOPMed 0.00001; gnomAD exomes 0.00002.
gnomAD v4.1: 32 of 1,576,618 alleles (0.002%); highest among the groups gnomAD compares: Middle Eastern, 0.017%; no homozygotes.

Submissions (2):

Labcorp Genetics (formerly Invitae), Labcorp
Classification: Uncertain significance. Last evaluated: 2025-04-28. Review status: criteria provided, single submitter. Criteria: Invitae Variant Classification Sherloc (09022015). Collection method: clinical testing. Allele origin: germline.
Comment: This sequence change replaces glycine, which is neutral and non-polar, with serine, which is neutral and polar, at codon 376 of the TCF3 protein (p.Gly376Ser). The frequency data for this variant in the population databases is considered unreliable, as metrics indicate poor data quality at this position in the gnomAD database. This variant has not been reported in the literature in individuals affected with TCF3-related conditions. ClinVar contains an entry for this variant (Variation ID: 2598710). Invitae Evidence Modeling of protein sequence and biophysical properties (such as structural, functional, and spatial information, amino acid conservation, physicochemical variation, residue mobility, and thermodynamic stability) indicates that this missense variant is not expected to disrupt TCF3 protein function with a negative predictive value of 80%. In summary, the available evidence is currently insufficient to determine the role of this variant in disease. Therefore, it has been classified as a Variant of Uncertain Significance.

Ambry Genetics
Classification: Uncertain significance for Inborn genetic diseases. Last evaluated: 2023-07-25. Review status: criteria provided, single submitter. Criteria: Ambry Variant Classification Scheme 2023. Collection method: clinical testing. Allele origin: germline.

NM_003200.5(TCF3):c.1126G>A (p.Gly376Ser)

Gene: TCF3 (transcription factor 3; minus strand). Cytogenetic location: 19p13.3.
Variant type: single nucleotide variant.
Coding change: c.1126G>A on transcript NM_003200.5 (MANE Select); coding-DNA position 1126, G replaced by A.
Protein change: p.Gly376Ser; replaces glycine 376 with serine.
Molecular consequence: missense variant.
Genome position (GRCh38, 1-based): chr19:1,619,821, C>T on the plus strand (G>A on the coding strand, the complement: TCF3 is on the minus strand). VCF-style: chr19-1619821-C-T. GRCh37 (hg19) VCF-style: chr19-1619820-C-T.
Other names: c.1126G>A, p.Gly376Ser (NM_001136139.4, NM_001351778.2, NM_001351779.2); short protein forms G376S.
Identifiers: ClinVar variation 2598710 (VCV002598710.4), dbSNP rs759970483, ClinGen allele CA9050044.
Genomic context (GRCh38, chr19:1,619,821, plus strand): 5'-GGGCGGGGCAGGCACTCACCAGGCCGTGGAGACCCCCGTCGTAGCTGGGCGATAAGGCAC[C>T]GGGGGCTCCTGCTCGAGGCCACTGTGACGTTCCTGGAAGGGAGTGGGGACGTGAATGGGG-3'
Protein context (NP_003191.1, residues 366-386): TSQWPRAGAP[Gly376Ser]ALSPSYDGGL